The following is an entry in ClinVar:

NM_003803.4(MYOM1):c.752G>T (p.Arg251Leu)

Gene: MYOM1 (myomesin 1; minus strand). Cytogenetic location: 18p11.31.
Variant type: single nucleotide variant.
Coding change: c.752G>T on transcript NM_003803.4 (MANE Select); coding-DNA position 752, G replaced by T.
Protein change: p.Arg251Leu; replaces arginine 251 with leucine.
Molecular consequence: missense variant.
Genome position (GRCh38, 1-based): chr18:3,188,767, C>A on the plus strand (G>T on the coding strand, the complement: MYOM1 is on the minus strand). VCF-style: chr18-3188767-C-A. GRCh37 (hg19) VCF-style: chr18-3188765-C-A.
Other names: c.752G>T, p.Arg251Leu (NM_019856.2); short protein forms R251L.
Identifiers: ClinVar variation 4860679 (VCV004860679.1).

ClinVar aggregate classification (germline): Uncertain significance (1 of 4 stars; one submission).

gnomAD v4.1: 1 of 1,593,114 alleles (0.000063%); highest among the groups gnomAD compares: Non-Finnish European, 0.000086%; no homozygotes.

Submission:

Ambry Genetics
Classification: Uncertain significance. Last evaluated: 2026-05-14. Review status: criteria provided, single submitter. Criteria: Ambry Variant Classification Scheme 2023. Collection method: clinical testing. Allele origin: germline.
Comment: The p.R251L variant (also known as c.752G>T), located in coding exon 3 of the MYOM1 gene, results from a G to T substitution at nucleotide position 752. The arginine at codon 251 is replaced by leucine, an amino acid with dissimilar properties. This amino acid position is conserved. In addition, this alteration is predicted to be tolerated by in silico analysis. Based on the available evidence, the clinical significance of this variant remains unclear.